The following is an entry in ClinVar:

NM_000360.4(TH):c.16G>T (p.Ala6Ser)

Gene: TH (tyrosine hydroxylase; minus strand). Cytogenetic location: 11p15.5.
Variant type: single nucleotide variant.
Coding change: c.16G>T on transcript NM_000360.4 (MANE Select); coding-DNA position 16, G replaced by T.
Protein change: p.Ala6Ser; replaces alanine 6 with serine.
Molecular consequence: missense variant.
Genome position (GRCh38, 1-based): chr11:2,171,771, C>A on the plus strand (G>T on the coding strand, the complement: TH is on the minus strand). VCF-style: chr11-2171771-C-A. GRCh37 (hg19) VCF-style: chr11-2193001-C-A.
Other names: c.16G>T, p.Ala6Ser (NM_199292.3, NM_199293.3); short protein forms A6S.
Identifiers: ClinVar variation 2193495 (VCV002193495.4), dbSNP rs74555599, ClinGen allele CA5818891.
Genomic context (GRCh38, chr11:2,171,771, plus strand): 5'-CCTGCTTGGCGTCCAGCTCAGACACGGCCCTGCGGAAGCCCTTGGCCTGTGGCGTGGTGG[C>A]GTCGGGGGTGGGCATGGCTCAGTGTGGAGGTCCGGGCTCCGTCTCCACAGCCCTGGCCCA-3'
Protein context (NP_000351.2, residues 1-16): MPTPD[Ala6Ser]TTPQAKGFRR

ClinVar aggregate classification (germline): Uncertain significance (1 of 4 stars; one submission).

Conditions:
TH-deficient dopa-responsive dystonia. Also called: Tyrosine Hydroxylase-Deficient Dopa-Responsive Dystonia; Segawa syndrome, autosomal recessive; DYT-TH. Identifiers: Orphanet 101150, MedGen C2673535, MONDO:0011551, OMIM 605407.

Submission:

Labcorp Genetics (formerly Invitae), Labcorp
Classification: Uncertain significance for TH-deficient dopa-responsive dystonia. Last evaluated: 2022-08-09. Review status: criteria provided, single submitter. Criteria: Invitae Variant Classification Sherloc (09022015). Collection method: clinical testing. Allele origin: germline.
Comment: In summary, the available evidence is currently insufficient to determine the role of this variant in disease. Therefore, it has been classified as a Variant of Uncertain Significance. Advanced modeling of protein sequence and biophysical properties (such as structural, functional, and spatial information, amino acid conservation, physicochemical variation, residue mobility, and thermodynamic stability) performed at Invitae indicates that this missense variant is not expected to disrupt TH protein function. This variant has not been reported in the literature in individuals affected with TH-related conditions. The frequency data for this variant in the population databases is considered unreliable, as metrics indicate poor data quality at this position in the gnomAD database. This sequence change replaces alanine, which is neutral and non-polar, with serine, which is neutral and polar, at codon 6 of the TH protein (p.Ala6Ser).